The following is an entry in ClinVar:

NM_001844.5(COL2A1):c.3817G>C (p.Glu1273Gln)

Gene: COL2A1 (collagen type II alpha 1 chain; minus strand). Cytogenetic location: 12q13.11.
Variant type: single nucleotide variant.
Coding change: c.3817G>C on transcript NM_001844.5 (MANE Select); coding-DNA position 3817, G replaced by C.
Protein change: p.Glu1273Gln; replaces glutamic acid 1273 with glutamine.
Molecular consequence: missense variant.
Genome position (GRCh38, 1-based): chr12:47,975,386, C>G on the plus strand (G>C on the coding strand, the complement: COL2A1 is on the minus strand). VCF-style: chr12-47975386-C-G. GRCh37 (hg19) VCF-style: chr12-48369169-C-G.
Other names: c.3610G>C, p.Glu1204Gln (NM_033150.3); short protein forms E1273Q, E1204Q.
Identifiers: ClinVar variation 3720367 (VCV003720367.2).
Genomic context (GRCh38, chr12:47,975,386, plus strand): 5'-ACTCAGGGTGGCAGAGTTTCAGGTCTCTGCAGGTGCGAGCAGGGTTCTTGCGGGAGCCCT[C>G]GGGGCTGCGGATGCTCTCAATCTGGTTGTTGAGGGACTTGAGTGTGGCATCCACCTCGGC-3'
Protein context (NP_001835.3, residues 1263-1283): NNQIESIRSP[Glu1273Gln]GSRKNPARTC

ClinVar aggregate classification (germline): Uncertain significance (1 of 4 stars; one submission).

Submission:

Labcorp Genetics (formerly Invitae), Labcorp
Classification: Uncertain significance. Last evaluated: 2024-10-13. Review status: criteria provided, single submitter. Criteria: Invitae Variant Classification Sherloc (09022015). Collection method: clinical testing. Allele origin: germline.
Comment: This sequence change replaces glutamic acid, which is acidic and polar, with glutamine, which is neutral and polar, at codon 1273 of the COL2A1 protein (p.Glu1273Gln). This variant is not present in population databases (gnomAD no frequency). This variant has not been reported in the literature in individuals affected with COL2A1-related conditions. Invitae Evidence Modeling of protein sequence and biophysical properties (such as structural, functional, and spatial information, amino acid conservation, physicochemical variation, residue mobility, and thermodynamic stability) indicates that this missense variant is not expected to disrupt COL2A1 protein function with a negative predictive value of 95%. In summary, the available evidence is currently insufficient to determine the role of this variant in disease. Therefore, it has been classified as a Variant of Uncertain Significance.